The following is an entry in ClinVar:

ClinVar aggregate classification (germline): Pathogenic/Likely pathogenic. Review status: criteria provided, multiple submitters, no conflicts (2 of 4 stars). 13 submissions from 13 submitters: Pathogenic (7); Likely pathogenic (1). 5 of the submissions do not count toward it. Last evaluated 2025-12-04.

Conditions:
SPATA7-related disorder. Also called: SPATA7-related condition; SPATA7-related disorders. Identifiers: MedGen CN239422.
Retinal dystrophy. Also called: Inherited retinal dystrophy. Identifiers: Orphanet 71862, MedGen C0854723, MeSH D058499, MONDO:0019118, HP:0000556.
Leber congenital amaurosis (LCA). Also called: Leber's amaurosis. Identifiers: Orphanet 65, MedGen C0339527, MeSH D057130, MONDO:0018998.
Leber congenital amaurosis 3 (LCA3). Also called: SPATA7-Related Retinitis Pigmentosa. Identifiers: MedGen C1858677, MONDO:0011415, OMIM 604232.

Allele frequency attached by ClinVar (database versions not stated): gnomAD 0.00006; TOPMed 0.00008.
gnomAD v4.1: 86 of 1,606,728 alleles (0.0054%); highest among the groups gnomAD compares: African/African-American, 0.011%; no homozygotes.

Submissions (13):

PreventionGenetics, part of Exact Sciences
Classification: Pathogenic for SPATA7-related condition. Last evaluated: 2025-12-04. Review status: criteria provided, single submitter. Criteria: ACMG Guidelines, 2015. Collection method: clinical testing. Allele origin: germline.
Comment: The SPATA7 c.322C>T variant is predicted to result in premature protein termination (p.Arg108*). This variant has been reported in the homozygous state or along with a second SPATA7 variant in individuals with Leber congenital amaurosis or retinitis pigmentosa (Wang et al. 2009. PubMed ID: 19268277; Neveling et al. 2012. PubMed ID: 22334370). This variant segregates with disease in a family with three siblings affected with Leber congenital amaurosis (Wang et al. 2009. PubMed ID: 19268277). This variant is reported in 0.012% of alleles in individuals of African descent in gnomAD. Nonsense variants in SPATA7 are expected to be pathogenic. This variant is interpreted as pathogenic.

Lab De Baere, Eye and Developmental Genetics Lab, Ghent University
Classification: Pathogenic for Leber congenital amaurosis. Last evaluated: 2024-10-01. Review status: criteria provided, single submitter. Criteria: ACMG Guidelines, 2015. Collection method: research. Allele origin: inherited. Affected: yes. Observed: 1 variant allele.
Comment: ACMG/AMP guidelines: PM2, PVS1, PM3_PS

Labcorp Genetics (formerly Invitae), Labcorp
Classification: Pathogenic for Leber congenital amaurosis 3. Last evaluated: 2024-03-25. Review status: criteria provided, single submitter. Criteria: Invitae Variant Classification Sherloc (09022015). Collection method: clinical testing. Allele origin: germline.
Comment: This sequence change creates a premature translational stop signal (p.Arg108*) in the SPATA7 gene. It is expected to result in an absent or disrupted protein product. Loss-of-function variants in SPATA7 are known to be pathogenic (PMID: 19268277, 22334370, 23847139, 26047050, 26261414). This variant is present in population databases (rs80044281, gnomAD 0.01%). This premature translational stop signal has been observed in individuals with Leber congenital amaurosis or retinitis pigmentosa (PMID: 19268277, 22334370). ClinVar contains an entry for this variant (Variation ID: 1395). For these reasons, this variant has been classified as Pathogenic.

Blueprint Genetics
Classification: Pathogenic for SPATA7-related disorders. Last evaluated: 2024-02-28. Review status: criteria provided, single submitter. Criteria: ACMG Guidelines, 2015. Collection method: clinical testing. Allele origin: germline. Affected: yes. Observed: 5 variant alleles.

Women's Health and Genetics/Laboratory Corporation of America, LabCorp
Classification: Pathogenic for Leber congenital amaurosis. Last evaluated: 2024-01-11. Review status: criteria provided, single submitter. Criteria: LabCorp Variant Classification Summary - May 2015. Collection method: clinical testing. Allele origin: germline.
Comment: Variant summary: SPATA7 c.322C>T (p.Arg108X) results in a premature termination codon, predicted to cause absence of the protein due to nonsense mediated decay, which is a commonly known mechanism for disease. The variant allele was found at a frequency of 3.2e-05 in 250260 control chromosomes (gnomAD). c.322C>T has been reported in the literature in individuals affected with Leber Congenital Amaurosis (e.g. Xiao_2019). The following publication has been ascertained in the context of this evaluation (PMID: 31908400). ClinVar contains an entry for this variant (Variation ID: 1395). Based on the evidence outlined above, the variant was classified as pathogenic.

Ocular Genomics Institute, Massachusetts Eye and Ear
Classification: Pathogenic for Leber congenital amaurosis 3. Last evaluated: 2021-04-08. Review status: criteria provided, single submitter. Criteria: ACMG Guidelines, 2015. Collection method: research. Allele origin: germline. Affected: yes.
Comment: Through a review of available evidence we were able to apply the following criteria: PVS1, PM2, PP1. Based on this evidence we have classified this variant as Pathogenic.

Institute of Human Genetics, Univ. Regensburg, Univ. Regensburg
Classification: Pathogenic for Retinal dystrophy. Last evaluated: 2019-01-01. Review status: criteria provided, single submitter. Criteria: ACMG Guidelines, 2015. Collection method: clinical testing. Allele origin: germline. Affected: yes.

Illumina Laboratory Services, Illumina
Classification: Likely pathogenic for SPATA7-Related Disorders. Last evaluated: 2017-04-28. Review status: criteria provided, single submitter. Criteria: ICSL Variant Classification Criteria 09 May 2019. Collection method: clinical testing. Allele origin: germline.
Comment: The SPATA7 c.322C>T (p.Arg108Ter) variant is stop-gained variant predicted to result in premature termination of the protein. The p.Arg108Ter variant has been reported in four studies in which it was identified in a total of seven patients with Leber congenital amaurosis, including four homozygotes and one compound heterozygote, and two compound heterozygotes with autosomal recessive retinitis pigmentosa (Wang et al. 2009; Perrault et al. 2010; Neveling et al. 2012; Xu et al. 2014). The variant was also found in a heterozygous state in six unaffected family members of patients. The variant was absent from at least 150 control individuals but is reported at a frequency of 0.00005 in the European (non-Finnish) population of the Exome Aggregation Consortium. Based on the evidence, the p.Arg108Ter variant is classified as pathogenic for SPATA7-related disorders. This variant was observed by ICSL as part of a predisposition screen in an ostensibly healthy population.

OMIM
Classification: Pathogenic for LEBER CONGENITAL AMAUROSIS 3. Last evaluated: 2009-03-01. Review status: no assertion criteria provided. Collection method: literature only. Allele origin: germline. Not counted in ClinVar's aggregate classification.

Clinical Genetics, Academic Medical Center
Classification: Pathogenic. Review status: no assertion criteria provided. Collection method: clinical testing. Allele origin: germline. Affected: yes. Study: VKGL Data-share Consensus. Not counted in ClinVar's aggregate classification.

GeneReviews
No classification provided. Condition: Leber congenital amaurosis 3. Review status: no classification provided. Collection method: literature only. Allele origin: unknown. Not counted in ClinVar's aggregate classification.

Joint Genome Diagnostic Labs from Nijmegen and Maastricht, Radboudumc and MUMC+
Classification: Pathogenic. Review status: no assertion criteria provided. Collection method: clinical testing. Allele origin: germline. Affected: yes. Study: VKGL Data-share Consensus. Not counted in ClinVar's aggregate classification.

Laboratory of Genetics in Ophthalmology, Institut Imagine
Classification: Pathogenic for Leber congenital amaurosis 3. Review status: no assertion criteria provided. Collection method: research. Allele origin: inherited. Affected: yes. Observed: 1 variant allele. Not counted in ClinVar's aggregate classification.

Literature cited by the submitters: PubMed 19268277 (cited by 7 submitters); PubMed 22334370 (cited by 3 submitters); PubMed 23847139 (cited by Labcorp Genetics (formerly Invitae), Labcorp); PubMed 26047050 (cited by Labcorp Genetics (formerly Invitae), Labcorp); PubMed 26261414 (cited by Labcorp Genetics (formerly Invitae), Labcorp); PubMed 31908400 (cited by Women's Health and Genetics/Laboratory Corporation of America, LabCorp); PubMed 20301475 (cited by Ocular Genomics Institute, Massachusetts Eye and Ear and GeneReviews); PubMed 20104588 (cited by Ocular Genomics Institute, Massachusetts Eye and Ear and Illumina Laboratory Services, Illumina); PubMed 25525159 (cited by Institute of Human Genetics, Univ. Regensburg, Univ. Regensburg); PubMed 31589614 (cited by Institute of Human Genetics, Univ. Regensburg, Univ. Regensburg); PubMed 31964843 (cited by Institute of Human Genetics, Univ. Regensburg, Univ. Regensburg); PubMed 34426522 (cited by Institute of Human Genetics, Univ. Regensburg, Univ. Regensburg); PubMed 24938718 (cited by Illumina Laboratory Services, Illumina); NCBI Bookshelf NBK1298 (cited by GeneReviews).

NM_018418.5(SPATA7):c.322C>T (p.Arg108Ter)

Gene: SPATA7 (spermatogenesis associated 7; plus strand). Cytogenetic location: 14q31.3.
Variant type: single nucleotide variant.
Coding change: c.322C>T on transcript NM_018418.5 (MANE Select); coding-DNA position 322, C replaced by T.
Protein change: p.Arg108Ter; replaces arginine 108 with a stop codon.
Molecular consequence: nonsense.
Genome position (GRCh38, 1-based): chr14:88,416,794, C>T. VCF-style: chr14-88416794-C-T. GRCh37 (hg19) VCF-style: chr14-88883138-C-T.
Other names: c.226C>T, p.Arg76Ter (NM_001040428.4); short protein forms R108*, R76*.
Identifiers: ClinVar variation 1395 (VCV000001395.22), dbSNP rs80044281, ClinGen allele CA339892.
Genomic context (GRCh38, chr14:88,416,794, plus strand): 5'-AAACTCAAAAAGGAATTAGCACAATGTGAAAAAGAGTTCAAATTAACTAAAACTGCAATG[C>T]GAGCCAATTATAAAAATAATTCCAAGTCACTTTTTAATACCTTACAAAAGGTAAGATAGT-3'